The following is an entry in ClinVar:

ClinVar aggregate classification (germline): Likely pathogenic (1 of 4 stars; one submission).

Conditions:
Diamond-Blackfan anemia 6 (DBA6). Also called: RPL5-Related Diamond-Blackfan Anemia. Identifiers: Orphanet 124, MedGen C2931850, MONDO:0012937, OMIM 612561.

Submission:

Laboratorio de Genetica e Diagnostico Molecular, Hospital Israelita Albert Einstein
Classification: Likely pathogenic for Diamond-Blackfan anemia 6. Last evaluated: 2025-10-19. Review status: criteria provided, single submitter. Criteria: ACMG Guidelines, 2015. Collection method: clinical testing. Allele origin: germline. Affected: yes.
Comment: ACMG classification criteria: PVS1 very strong, PM2 supporting

NM_000969.5(RPL5):c.397dup (p.Glu133fs)

Genes: DIPK1A (divergent protein kinase domain 1A; minus strand), RPL5 (ribosomal protein L5; plus strand). Cytogenetic location: 1p22.1.
Variant type: Duplication.
Coding change: c.397dup on transcript NM_000969.5 (MANE Select); coding-DNA position 397, one base duplicated (G; older notation c.397dupG).
Protein change: p.Glu133fs; shifts the reading frame from glutamic acid 133.
Molecular consequence: frameshift variant. On other transcripts: non-coding transcript variant (1), intron variant (1).
Genome position (GRCh38, 1-based): chr1:92,836,262, G duplicated; the last of 2 consecutive G bases (chr1:92,836,261-92,836,262); duplicating either gives the same sequence. VCF-style (leftmost placement, unchanged base first): chr1-92836260-T-TG. GRCh37 (hg19) VCF-style: chr1-93301817-T-TG.
Other names: c.475-3227dup (NM_001252273.2); short protein forms E133fs.
Identifiers: ClinVar variation 4846923 (VCV004846923.1).